The following is an entry in ClinVar:

ClinVar aggregate classification (germline): Benign (1 of 4 stars; one submission).

Allele frequency attached by ClinVar (database versions not stated): 1000 Genomes Project 30x 0.63382; 1000 Genomes Project 0.63438; TOPMed 0.69428; gnomAD 0.70486 and 0.70667.

Submission:

GeneDx
Classification: Benign. Last evaluated: 2018-06-14. Review status: criteria provided, single submitter. Criteria: GeneDx Variant Classification (06012015). Collection method: clinical testing. Allele origin: germline. Affected: yes.
Comment: This variant is considered likely benign or benign based on one or more of the following criteria: it is a conservative change, it occurs at a poorly conserved position in the protein, it is predicted to be benign by multiple in silico algorithms, and/or has population frequency not consistent with disease.

NM_000426.4(LAMA2):c.2451-244G>A

Gene: LAMA2 (laminin subunit alpha 2; plus strand). Cytogenetic location: 6q22.33.
Variant type: single nucleotide variant.
Coding change: c.2451-244G>A on transcript NM_000426.4 (MANE Select); 244 bases into the intron before coding-DNA position 2451, G replaced by A.
Molecular consequence: intron variant.
Genome position (GRCh38, 1-based): chr6:129,279,817, G>A. VCF-style: chr6-129279817-G-A. GRCh37 (hg19) VCF-style: chr6-129600962-G-A.
Other names: c.2451-244G>A (NM_001079823.2).
Identifiers: ClinVar variation 682906 (VCV000682906.1), dbSNP rs265370, ClinGen allele CA12335090.